The following is an entry in ClinVar:

NM_001273.5(CHD4):c.1378G>C (p.Glu460Gln)

Gene: CHD4 (chromodomain helicase DNA binding protein 4; minus strand). Cytogenetic location: 12p13.31.
Variant type: single nucleotide variant.
Coding change: c.1378G>C on transcript NM_001273.5 (MANE Select); coding-DNA position 1378, G replaced by C.
Protein change: p.Glu460Gln; replaces glutamic acid 460 with glutamine.
Molecular consequence: missense variant.
Genome position (GRCh38, 1-based): chr12:6,599,877, C>G on the plus strand (G>C on the coding strand, the complement: CHD4 is on the minus strand). VCF-style: chr12-6599877-C-G. GRCh37 (hg19) VCF-style: chr12-6709043-C-G.
Other names: c.1357G>C, p.Glu453Gln (NM_001297553.2); c.1339G>C, p.Glu447Gln (NM_001363606.2); short protein forms E447Q, E460Q, E453Q.
Identifiers: ClinVar variation 3266851 (VCV003266851.1).
Genomic context (GRCh38, chr12:6,599,877, plus strand): 5'-GTGGGGGATTCAGGCAGTGGATGTGGTAGGAAGAAGGACAGGTATCACAGCAGAGCAGTT[C>G]CCCACCATCCTTGCAGACCCGACAGAATTCCATATGGTGGTCATCCTCCTCTTCGAGGTC-3'
Protein context (NP_001264.2, residues 450-470): EFCRVCKDGG[Glu460Gln]LLCCDTCPSS

ClinVar aggregate classification (germline): Uncertain significance (1 of 4 stars; one submission).

Conditions:
Inborn genetic diseases. Identifiers: MedGen C0950123, MeSH D030342.

Submission:

Ambry Genetics
Classification: Uncertain significance for Inborn genetic diseases. Last evaluated: 2024-05-21. Review status: criteria provided, single submitter. Criteria: Ambry Variant Classification Scheme 2023. Collection method: clinical testing. Allele origin: germline.
Comment: The c.1378G>C (p.E460Q) alteration is located in exon 10 (coding exon 9) of the CHD4 gene. This alteration results from a G to C substitution at nucleotide position 1378, causing the glutamic acid (E) at amino acid position 460 to be replaced by a glutamine (Q). This variant was not reported in population-based cohorts in the Genome Aggregation Database (gnomAD). This amino acid position is highly conserved in available vertebrate species. The in silico prediction for this alteration is inconclusive. Based on insufficient or conflicting evidence, the clinical significance of this alteration remains unclear.